The following is an entry in ClinVar:

NM_001082486.2(ACD):c.878G>A (p.Ser293Asn)

Gene: ACD (ACD shelterin complex subunit and telomerase recruitment factor; minus strand). Cytogenetic location: 16q22.1.
Variant type: single nucleotide variant.
Coding change: c.878G>A on transcript NM_001082486.2 (MANE Select); coding-DNA position 878, G replaced by A.
Protein change: p.Ser293Asn; replaces serine 293 with asparagine.
Molecular consequence: missense variant.
Genome position (GRCh38, 1-based): chr16:67,658,314, C>T on the plus strand (G>A on the coding strand, the complement: ACD is on the minus strand). VCF-style: chr16-67658314-C-T. GRCh37 (hg19) VCF-style: chr16-67692217-C-T.
Other names: c.869G>A, p.Ser290Asn (NM_022914.3); short protein forms S290N, S293N.
Identifiers: ClinVar variation 1059714 (VCV001059714.9), dbSNP rs2052917223, ClinGen allele CA396352909.

ClinVar aggregate classification (germline): Uncertain significance (1 of 4 stars; one submission).

Conditions:
Dyskeratosis congenita, autosomal dominant 6 (DKCA6). Identifiers: Orphanet 3322, MedGen C4225284, MONDO:0014690, OMIM 616553.

Submission:

Labcorp Genetics (formerly Invitae), Labcorp
Classification: Uncertain significance for Dyskeratosis congenita, autosomal dominant 6. Last evaluated: 2020-09-15. Review status: criteria provided, single submitter. Criteria: Invitae Variant Classification Sherloc (09022015). Collection method: clinical testing. Allele origin: germline.
Comment: In summary, the available evidence is currently insufficient to determine the role of this variant in disease. Therefore, it has been classified as a Variant of Uncertain Significance. Algorithms developed to predict the effect of missense changes on protein structure and function are either unavailable or do not agree on the potential impact of this missense change (SIFT: "Deleterious"; PolyPhen-2: "Probably Damaging"; Align-GVGD: "Class C0"). This variant has not been reported in the literature in individuals with ACD-related conditions. This variant is not present in population databases (ExAC no frequency). This sequence change replaces serine with asparagine at codon 379 of the ACD protein (p.Ser379Asn). The serine residue is highly conserved and there is a small physicochemical difference between serine and asparagine.